The following is an entry in ClinVar:

ClinVar aggregate classification (germline): Conflicting classifications of pathogenicity. Review status: criteria provided, conflicting classifications (1 of 4 stars). 5 submissions from 5 submitters: Uncertain significance (2); Likely benign (2). 1 of the submissions does not count toward it. Last evaluated 2025-06-01.

Conditions:
Congenital myopathy with fiber type disproportion. Also called: Congenital fiber-type disproportion myopathy; Congenital fiber-type disproportion. Identifiers: Orphanet 2020, MedGen C0546264, MONDO:0009711. Inheritance: all.
Central core myopathy (CMYO1A). Also called: CONGENITAL MYOPATHY 1A, AUTOSOMAL DOMINANT, WITH SUSCEPTIBILITY TO MALIGNANT HYPERTHERMIA; Central core disease; Myopathy, central fibrillar. Identifiers: Orphanet 597, MedGen C5830701, MONDO:0007294, OMIM 117000.
King Denborough syndrome (KDS). Identifiers: MedGen C1840365, MONDO:0020485, OMIM 619542.
Malignant hyperthermia, susceptibility to, 1 (MHS1). Also called: Anesthesia related hyperthermia; Malignant hyperpyrexia; Fulminating hyperpyrexia; Pharmacogenic myopathy; RYR1-Related Malignant Hyperthermia Susceptibility; Malignant hyperthermia suceptibility 1. Identifiers: Orphanet 423, MedGen C2930980, MONDO:0007783, OMIM 145600.
Congenital multicore myopathy with external ophthalmoplegia (CMYO1B). Also called: Minicore myopathy with external ophthalmoplegia; MULTICORE MYOPATHY; Congenital myopathy 1B, autosomal recessive; Minicore myopathy; MULTIMINICORE DISEASE WITH EXTERNAL OPHTHALMOPLEGIA. Identifiers: Orphanet 598, Orphanet 98905, MedGen C1850674, MONDO:0009712, OMIM 255320, HP:0003789.
RYR1-related disorder. Also called: RYR1-related condition; RYR1-related disorders. Identifiers: MedGen CN239331.

Allele frequency attached by ClinVar (database versions not stated): TOPMed 0.00005.
gnomAD v4.1: 12 of 1,341,766 alleles (0.00089%); highest among the groups gnomAD compares: Admixed American, 0.012%; no homozygotes.

Submissions (5):

Labcorp Genetics (formerly Invitae), Labcorp
Classification: Likely benign for RYR1-related disorder. Last evaluated: 2025-06-01. Review status: criteria provided, single submitter. Criteria: Invitae Variant Classification Sherloc (09022015). Collection method: clinical testing. Allele origin: germline.

CeGaT Center for Human Genetics Tuebingen
Classification: Likely benign. Last evaluated: 2025-02-01. Review status: criteria provided, single submitter. Criteria: CeGaT Center For Human Genetics Tuebingen Variant Classification Criteria Version 2. Collection method: clinical testing. Allele origin: germline. Affected: yes. Observed: 1 variant allele.
Comment: RYR1: BP4, BP7

Fulgent Genetics
Classification: Uncertain significance for Central core myopathy; Malignant hyperthermia, susceptibility to, 1; Congenital myopathy 4A, autosomal dominant; Congenital multicore myopathy with external ophthalmoplegia; King Denborough syndrome. Last evaluated: 2021-09-29. Review status: criteria provided, single submitter. Criteria: ACMG Guidelines, 2015. Collection method: clinical testing. Allele origin: unknown.

Eurofins Ntd Llc (ga)
Classification: Uncertain significance. Last evaluated: 2014-06-02. Review status: criteria provided, single submitter. Criteria: EGL Classification Definitions 2015. Collection method: clinical testing. Allele origin: germline. Observed: 1 variant allele, 1 heterozygote.

PreventionGenetics, part of Exact Sciences
Classification: Likely benign for RYR1-related condition. Last evaluated: 2019-02-21. Review status: no assertion criteria provided. Collection method: clinical testing. Allele origin: germline. Not counted in ClinVar's aggregate classification.
Comment: This variant is classified as likely benign based on ACMG/AMP sequence variant interpretation guidelines (Richards et al. 2015 PMID: 25741868, with internal and published modifications).

NM_000540.3(RYR1):c.13044G>A (p.Ala4348=)

Gene: RYR1 (ryanodine receptor 1; plus strand). Cytogenetic location: 19q13.2.
Variant type: single nucleotide variant.
Coding change: c.13044G>A on transcript NM_000540.3 (MANE Select); coding-DNA position 13044, G replaced by A.
Protein change: p.Ala4348=; no amino-acid change (alanine 4348 retained).
Molecular consequence: synonymous variant.
Genome position (GRCh38, 1-based): chr19:38,565,378, G>A. VCF-style: chr19-38565378-G-A. GRCh37 (hg19) VCF-style: chr19-39056018-G-A.
Other names: c.13029G>A, p.Ala4343= (NM_001042723.2).
Identifiers: ClinVar variation 199215 (VCV000199215.29), dbSNP rs794727985, ClinGen allele CA024031.